The following is an entry in ClinVar:

NM_025136.4(OPA3):c.161T>C (p.Met54Thr)

Genes: OPA3 (outer mitochondrial membrane lipid metabolism regulator OPA3; minus strand), OPA3-RTN2 (OPA3-RTN2 readthrough; minus strand). Cytogenetic location: 19q13.32.
Variant type: single nucleotide variant.
Coding change: c.161T>C on transcript NM_025136.4 (MANE Select); coding-DNA position 161, T replaced by C.
Protein change: p.Met54Thr; replaces methionine 54 with threonine.
Molecular consequence: missense variant. On other transcripts: intron variant (1).
Genome position (GRCh38, 1-based): chr19:45,553,893, A>G on the plus strand (T>C on the coding strand, the complement: OPA3 is on the minus strand). VCF-style: chr19-45553893-A-G. GRCh37 (hg19) VCF-style: chr19-46057151-A-G.
Other names: c.143-24437T>C (NM_001017989.3); short protein forms M54T.
Identifiers: ClinVar variation 4997762 (VCV004997762.1).

ClinVar aggregate classification (germline): Uncertain significance (1 of 4 stars; one submission).

Conditions:
OPA3-related disorder. Also called: OPA3-related condition.

Submission:

PreventionGenetics, part of Exact Sciences
Classification: Uncertain significance for OPA3-related condition. Last evaluated: 2025-03-22. Review status: criteria provided, single submitter. Criteria: ACMG Guidelines, 2015. Collection method: clinical testing. Allele origin: germline.
Comment: The OPA3 c.161T>C variant is predicted to result in the amino acid substitution p.Met54Thr. To our knowledge, this variant has not been reported in the literature or in a large population database (gnomAD), indicating this variant is rare. At this time, the clinical significance of this variant is uncertain due to the absence of conclusive functional and genetic evidence.